The following is an entry in ClinVar:

NM_001128840.3(CACNA1D):c.1750G>A (p.Val584Ile)

Gene: CACNA1D (calcium voltage-gated channel subunit alpha1 D; plus strand). Cytogenetic location: 3p21.1.
Variant type: single nucleotide variant.
Coding change: c.1750G>A on transcript NM_001128840.3 (MANE Select); coding-DNA position 1750, G replaced by A.
Protein change: p.Val584Ile; replaces valine 584 with isoleucine.
Molecular consequence: missense variant.
Genome position (GRCh38, 1-based): chr3:53,723,517, G>A. VCF-style: chr3-53723517-G-A. GRCh37 (hg19) VCF-style: chr3-53757544-G-A.
Other names: c.1810G>A, p.Val604Ile (NM_000720.4); c.1750G>A, p.Val584Ile (NM_001128839.3); short protein forms V604I, V584I.
Identifiers: ClinVar variation 506011 (VCV000506011.11), dbSNP rs773365038, ClinGen allele CA2454068.

ClinVar aggregate classification (germline): Uncertain significance. Review status: criteria provided, multiple submitters, no conflicts (2 of 4 stars). 2 submissions from 2 submitters: Uncertain significance (2). Last evaluated 2025-12-09.

Allele frequency attached by ClinVar (database versions not stated): ExAC 0.00002; TOPMed 0.00002; gnomAD 0.00003.
gnomAD v4.1: 26 of 1,613,916 alleles (0.0016%); highest among the groups gnomAD compares: East Asian, 0.0067%; no homozygotes.

Submissions (2):

Labcorp Genetics (formerly Invitae), Labcorp
Classification: Uncertain significance. Last evaluated: 2025-12-09. Review status: criteria provided, single submitter. Criteria: Invitae Variant Classification Sherloc (09022015). Collection method: clinical testing. Allele origin: germline.
Comment: This sequence change replaces valine, which is neutral and non-polar, with isoleucine, which is neutral and non-polar, at codon 604 of the CACNA1D protein (p.Val604Ile). This variant is present in population databases (rs773365038, gnomAD 0.006%). This missense change has been observed in individual(s) with autism spectrum disorder (PMID: 26842699, 28714951, 31785789, 35982159). This variant is also known as p.Val584Ile and 3:53757544:G:A. ClinVar contains an entry for this variant (Variation ID: 506011). Invitae Evidence Modeling of protein sequence and biophysical properties (such as structural, functional, and spatial information, amino acid conservation, physicochemical variation, residue mobility, and thermodynamic stability) indicates that this missense variant is not expected to disrupt CACNA1D protein function with a negative predictive value of 80%. Experimental studies have shown that this missense change affects CACNA1D function (PMID: 38553610). In summary, the available evidence is currently insufficient to determine the role of this variant in disease. Therefore, it has been classified as a Variant of Uncertain Significance.

Laboratory for Molecular Medicine, Mass General Brigham Personalized Medicine
Classification: Uncertain significance. Last evaluated: 2017-09-03. Review status: criteria provided, single submitter. Criteria: LMM Criteria. Collection method: clinical testing. Allele origin: germline. Observed: 1 variant allele.
Comment: The p.Val604Ile variant in CACNA1D has not been previously reported in individua ls with hearing loss, but has been identified in 2/30782 South Asian chromosomes by the Genome Aggregation Database (gnomAD; dbSNP rs773365038). Although this variant has been seen in the general populatio n, its frequency is not high enough to rule out a pathogenic role. Computational prediction tools and conservation analyses do not provide strong support for or against an impact to the protein. In summary, the clinical significance of the p.Val604Ile variant is uncertain.

Literature cited by the submitters: PubMed 26842699 (cited by Labcorp Genetics (formerly Invitae), Labcorp); PubMed 28714951 (cited by Labcorp Genetics (formerly Invitae), Labcorp); PubMed 31785789 (cited by Labcorp Genetics (formerly Invitae), Labcorp); PubMed 35982159 (cited by Labcorp Genetics (formerly Invitae), Labcorp); PubMed 38553610 (cited by Labcorp Genetics (formerly Invitae), Labcorp).